The following is an entry in ClinVar:

NM_002222.5(ITPR1):c.*1366C>A

Gene: ITPR1 (inositol 1,4,5-trisphosphate receptor type 1; plus strand). Cytogenetic location: 3p26.1.
Variant type: single nucleotide variant.
Coding change: c.*1366C>A on transcript NM_002222.5; 1366 bases downstream of the stop codon, C replaced by A.
Genome position (GRCh38, 1-based): chr3:4,847,591, C>A. VCF-style: chr3-4847591-C-A. GRCh37 (hg19) VCF-style: chr3-4889275-C-A.
Identifiers: ClinVar variation 901147 (VCV000901147.6), dbSNP rs146958900, ClinGen allele CA69326492.

ClinVar aggregate classification (germline): Likely benign (1 of 4 stars; one submission).

Conditions:
Autosomal dominant cerebellar ataxia. Also called: Spinocerebellar Ataxia, Dominant. Identifiers: Orphanet 99, MedGen C4087347, MONDO:0020380.

Allele frequency attached by ClinVar (database versions not stated): 1000 Genomes Project 30x 0.00125; TOPMed 0.00005; 1000 Genomes Project 0.00100.

Submission:

Illumina Laboratory Services, Illumina
Classification: Likely benign for Spinocerebellar Ataxia, Dominant. Last evaluated: 2018-01-13. Review status: criteria provided, single submitter. Criteria: ICSL Variant Classification Criteria 13 December 2019. Collection method: clinical testing. Allele origin: germline.
Comment: This variant was observed in the ICSL laboratory as part of a predisposition screen in an ostensibly healthy population. It had not been previously curated by ICSL or reported in the Human Gene Mutation Database (HGMD: prior to June 1st, 2018), and was therefore a candidate for classification through an automated scoring system. Utilizing variant allele frequency, disease prevalence and penetrance estimates, and inheritance mode, an automated score was calculated to assess if this variant is too frequent to cause the disease. Based on the score and internal cut-off values, a variant classified as likely benign is not then subjected to further curation. The score for this variant resulted in a classification of likely benign for this disease.